The following is an entry in ClinVar:

NM_133433.4(NIPBL):c.6998del (p.Ala2333fs)

Gene: NIPBL (NIPBL cohesin loading factor; plus strand). Cytogenetic location: 5p13.2.
Variant type: Deletion.
Coding change: c.6998del on transcript NM_133433.4 (MANE Select); coding-DNA position 6998, one base deleted (C; older notation c.6998delC).
Protein change: p.Ala2333fs; shifts the reading frame from alanine 2333.
Molecular consequence: frameshift variant.
Genome position (GRCh38, 1-based): chr5:37,051,822, C deleted. VCF-style (leftmost placement, unchanged base first): chr5-37051821-GC-G. GRCh37 (hg19) VCF-style: chr5-37051923-GC-G.
Other names: c.6998del, p.Ala2333fs (NM_015384.5); short protein forms A2333fs.
Identifiers: ClinVar variation 567873 (VCV000567873.6), dbSNP rs1561214997, ClinGen allele CA891842688.

ClinVar aggregate classification (germline): Pathogenic (1 of 4 stars; one submission).

Conditions:
Cornelia de Lange syndrome 1 (CDLS1). Also called: NIPBL-Related Cornelia de Lange Syndrome; TYPUS DEGENERATIVUS AMSTELODAMENSIS; Brachmann de Lange syndrome. Identifiers: Orphanet 199, MedGen C4551851, MONDO:0007387, OMIM 122470.

Submission:

Labcorp Genetics (formerly Invitae), Labcorp
Classification: Pathogenic for Cornelia de Lange syndrome 1. Last evaluated: 2018-02-26. Review status: criteria provided, single submitter. Criteria: Invitae Variant Classification Sherloc (09022015). Collection method: clinical testing. Allele origin: germline.
Comment: For these reasons, this variant has been classified as Pathogenic. Loss-of-function variants in NIPBL are known to be pathogenic (PMID: 24038889). This variant has not been reported in the literature in individuals with NIPBL-related disease. This variant is not present in population databases (ExAC no frequency). This sequence change creates a premature translational stop signal (p.Ala2333Valfs*13) in the NIPBL gene. It is expected to result in an absent or disrupted protein product.

Literature cited by the submitters: PubMed 24038889.